The following is an entry in ClinVar:

ClinVar aggregate classification (germline): Uncertain significance (1 of 4 stars; one submission).

Submission:

Labcorp Genetics (formerly Invitae), Labcorp
Classification: Uncertain significance. Last evaluated: 2023-05-23. Review status: criteria provided, single submitter. Criteria: Invitae Variant Classification Sherloc (09022015). Collection method: clinical testing. Allele origin: germline.
Comment: In summary, the available evidence is currently insufficient to determine the role of this variant in disease. Therefore, it has been classified as a Variant of Uncertain Significance. An algorithm developed to predict the effect of missense changes on protein structure and function (PolyPhen-2) suggests that this variant is likely to be disruptive. This variant has not been reported in the literature in individuals affected with FOXA2-related conditions. This variant is not present in population databases (gnomAD no frequency). This sequence change replaces methionine, which is neutral and non-polar, with isoleucine, which is neutral and non-polar, at codon 86 of the FOXA2 protein (p.Met86Ile).

NM_021784.5(FOXA2):c.258G>T (p.Met86Ile)

Gene: FOXA2 (forkhead box A2; minus strand). Cytogenetic location: 20p11.21.
Variant type: single nucleotide variant.
Coding change: c.258G>T on transcript NM_021784.5 (MANE Select); coding-DNA position 258, G replaced by T.
Protein change: p.Met86Ile; replaces methionine 86 with isoleucine.
Molecular consequence: missense variant.
Genome position (GRCh38, 1-based): chr20:22,582,984, C>A on the plus strand (G>T on the coding strand, the complement: FOXA2 is on the minus strand). VCF-style: chr20-22582984-C-A. GRCh37 (hg19) VCF-style: chr20-22563622-C-A.
Other names: c.240G>T, p.Met80Ile (NM_153675.3); short protein forms M86I, M80I.
Identifiers: ClinVar variation 2969461 (VCV002969461.3), dbSNP rs1338942089, ClinGen allele CA408502888.
Genomic context (GRCh38, chr20:22,582,984, plus strand): 5'-CGCCACGCCGGCCGCCCCGGCCGAGCCGCCCATGCCCGCCATGGCGCCCGCGCCGGGGGA[C>A]ATCCCCGCCAGGGACGGGCTCATGCCAGCGCCCACGTACGACGACATGTTCATGGAGCCC-3'
Protein context (NP_068556.2, residues 76-96): GAGMSPSLAG[Met86Ile]SPGAGAMAGM